The following is an entry in ClinVar:

NM_001105206.3(LAMA4):c.2668G>T (p.Ala890Ser)

Genes: LAMA4 (laminin subunit alpha 4; minus strand), LOC126859766 (MED14-independent group 3 enhancer GRCh37_chr6:112462018-112463217; plus strand). Cytogenetic location: 6q21.
Variant type: single nucleotide variant.
Coding change: c.2668G>T on transcript NM_001105206.3 (MANE Select); coding-DNA position 2668, G replaced by T.
Protein change: p.Ala890Ser; replaces alanine 890 with serine.
Molecular consequence: missense variant.
Genome position (GRCh38, 1-based): chr6:112,141,503, C>A on the plus strand (G>T on the coding strand, the complement: LAMA4 is on the minus strand). VCF-style: chr6-112141503-C-A. GRCh37 (hg19) VCF-style: chr6-112462705-C-A.
Other names: c.2647G>T, p.Ala883Ser (NM_001105207.3, NM_002290.5); short protein forms A883S, A890S.
Identifiers: ClinVar variation 4096223 (VCV004096223.1).
Genomic context (GRCh38, chr6:112,141,503, plus strand): 5'-AATTATAGACGTATACCAGATTATCATTTTTGATTGCAAGACCCATATACTCTTTTTTGG[C>A]CTGAAATATCAAGAAGTAAGAAGTCATTTAAATAAAATTCATAAGAATGAACATCATCTT-3'
Protein context (NP_001098676.2, residues 880-900): QFILYLGSKN[Ala890Ser]KKEYMGLAIK

ClinVar aggregate classification (germline): Uncertain significance (1 of 4 stars; one submission).

Conditions:
Cardiovascular phenotype. Identifiers: MedGen CN230736.

Submission:

Ambry Genetics
Classification: Uncertain significance for Cardiovascular phenotype. Last evaluated: 2025-09-07. Review status: criteria provided, single submitter. Criteria: Ambry Variant Classification Scheme 2023. Collection method: clinical testing. Allele origin: germline.
Comment: The p.A883S variant (also known as c.2647G>T) is located in coding exon 20 of the LAMA4 gene. The alanine at codon 883 is replaced by serine, an amino acid with similar properties. This change occurs in the first base pair of coding exon 20. This amino acid position is conserved. In addition, this alteration is predicted to be tolerated by in silico analysis. Based on the available evidence, the clinical significance of this variant remains unclear.